The following is an entry in ClinVar:

NM_000143.4(FH):c.716C>T (p.Ala239Val)

Gene: FH (fumarate hydratase; minus strand). Cytogenetic location: 1q43.
Variant type: single nucleotide variant.
Coding change: c.716C>T on transcript NM_000143.4 (MANE Select); coding-DNA position 716, C replaced by T.
Protein change: p.Ala239Val; replaces alanine 239 with valine.
Molecular consequence: missense variant.
Genome position (GRCh38, 1-based): chr1:241,508,625, G>A on the plus strand (C>T on the coding strand, the complement: FH is on the minus strand). VCF-style: chr1-241508625-G-A. GRCh37 (hg19) VCF-style: chr1-241671925-G-A.
Other names: short protein forms A239V.
Identifiers: ClinVar variation 3646081 (VCV003646081.2).
Genomic context (GRCh38, chr1:241,508,625, plus strand): 5'-AAGCTCTAAATTGAATCAAATTAGTCAAACTCCTATACCTGCCCAAGAGTAAGTGGAACA[G>A]CATCCTGAGTATGAGTACGTCCAATCTTGATGATCTGTGCAAACTCTTTGGATTTTGCAT-3'
Protein context (NP_000134.2, residues 229-249): IKIGRTHTQD[Ala239Val]VPLTLGQEFS

ClinVar aggregate classification (germline): Uncertain significance (1 of 4 stars; one submission).

gnomAD v4.1: 2 of 1,613,684 alleles (0.00012%); highest among the groups gnomAD compares: Non-Finnish European, 0.00017%; no homozygotes.

Submission:

Labcorp Genetics (formerly Invitae), Labcorp
Classification: Uncertain significance. Last evaluated: 2024-03-15. Review status: criteria provided, single submitter. Criteria: Invitae Variant Classification Sherloc (09022015). Collection method: clinical testing. Allele origin: germline.
Comment: This sequence change replaces alanine, which is neutral and non-polar, with valine, which is neutral and non-polar, at codon 239 of the FH protein (p.Ala239Val). This variant is not present in population databases (gnomAD no frequency). This missense change has been observed in individual(s) with clinical features of FH-related conditions (PMID: 35441217). Advanced modeling of protein sequence and biophysical properties (such as structural, functional, and spatial information, amino acid conservation, physicochemical variation, residue mobility, and thermodynamic stability) performed at Invitae indicates that this missense variant is expected to disrupt FH protein function with a positive predictive value of 95%. In summary, the available evidence is currently insufficient to determine the role of this variant in disease. Therefore, it has been classified as a Variant of Uncertain Significance.

Literature cited by the submitters: PubMed 35441217.